The following is an entry in ClinVar:

NM_001271.4(CHD2):c.3824A>T (p.Glu1275Val)

Gene: CHD2 (chromodomain helicase DNA binding protein 2; plus strand). Cytogenetic location: 15q26.1.
Variant type: single nucleotide variant.
Coding change: c.3824A>T on transcript NM_001271.4 (MANE Select); coding-DNA position 3824, A replaced by T.
Protein change: p.Glu1275Val; replaces glutamic acid 1275 with valine.
Molecular consequence: missense variant.
Genome position (GRCh38, 1-based): chr15:92,997,342, A>T. VCF-style: chr15-92997342-A-T. GRCh37 (hg19) VCF-style: chr15-93540572-A-T.
Other names: short protein forms E1275V.
Identifiers: ClinVar variation 4808471 (VCV004808471.1).

ClinVar aggregate classification (germline): Uncertain significance (1 of 4 stars; one submission).

Conditions:
Developmental and epileptic encephalopathy 94 (DEE94). Also called: CHD2-Related Neurodevelopmental Disorders; Epileptic encephalopathy, childhood-onset. Identifiers: Orphanet 1942, Orphanet 2382, MedGen C3809278, MONDO:0014150, OMIM 615369.

Submission:

Labcorp Genetics (formerly Invitae), Labcorp
Classification: Uncertain significance for Developmental and epileptic encephalopathy 94. Last evaluated: 2025-09-07. Review status: criteria provided, single submitter. Criteria: Invitae Variant Classification Sherloc (09022015). Collection method: clinical testing. Allele origin: germline.
Comment: This sequence change replaces glutamic acid, which is acidic and polar, with valine, which is neutral and non-polar, at codon 1275 of the CHD2 protein (p.Glu1275Val). This variant is not present in population databases (gnomAD no frequency). This variant has not been reported in the literature in individuals affected with CHD2-related conditions. Invitae Evidence Modeling of protein sequence and biophysical properties (such as structural, functional, and spatial information, amino acid conservation, physicochemical variation, residue mobility, and thermodynamic stability) indicates that this missense variant is not expected to disrupt CHD2 protein function with a negative predictive value of 95%. In summary, the available evidence is currently insufficient to determine the role of this variant in disease. Therefore, it has been classified as a Variant of Uncertain Significance.